The following is an entry in ClinVar:

NM_001127511.3(APC):c.166-28968G>A

Gene: APC (APC regulator of Wnt signaling pathway; plus strand). Cytogenetic location: 5q22.2.
Variant type: single nucleotide variant.
Coding change: c.166-28968G>A on transcript NM_001127511.3; 28968 bases into the intron before coding-DNA position 166, G replaced by A.
Molecular consequence: intron variant.
Genome position (GRCh38, 1-based): chr5:112,737,358, G>A. VCF-style: chr5-112737358-G-A. GRCh37 (hg19) VCF-style: chr5-112073055-G-A.
Other names: c.-18-17515G>A (NM_001407458.1, NM_001407469.1, NM_001407448.1 and 7 more transcripts); c.-42-28968G>A (NM_001407453.1); c.166-28968G>A (NM_001407446.1, NM_001354897.2, NM_001354902.2); c.-1053-17515G>A (NM_001407470.1, NM_001407472.1).
Identifiers: ClinVar variation 3354910 (VCV003354910.1).
Genomic context (GRCh38, chr5:112,737,358, plus strand): 5'-GAGTAAAGCTTCAACTCAGGCAACCCAGACTTCCAGAGTTCTGATCTCCACTACTAAGCT[G>A]CTAGCATAGCTTTTCTGGTAACTATTTTTAATTCAAATATAATTCGAGTGATCTATCTAA-3'

ClinVar aggregate classification (germline): Likely benign (0 of 4 stars; one submission).

Conditions:
APC-related disorder. Also called: APC-related condition.

gnomAD v4.1: 6 of 152,190 alleles (0.0039%); highest among the groups gnomAD compares: African/African-American, 0.014%; no homozygotes.

Submission:

PreventionGenetics, part of Exact Sciences
Classification: Likely benign for APC-related condition. Last evaluated: 2024-06-23. Review status: no assertion criteria provided. Collection method: clinical testing. Allele origin: germline.
Comment: This variant is classified as likely benign based on ACMG/AMP sequence variant interpretation guidelines (Richards et al. 2015 PMID: 25741868, with internal and published modifications).